The following is an entry in ClinVar:

ClinVar aggregate classification (germline): Pathogenic (1 of 4 stars; one submission).

Conditions:
Primary ciliary dyskinesia. Also called: Ciliary dyskinesia. Identifiers: Orphanet 244, MedGen C0008780, MONDO:0016575, HP:0012265.

Submission:

Labcorp Genetics (formerly Invitae), Labcorp
Classification: Pathogenic for Primary ciliary dyskinesia. Last evaluated: 2022-01-21. Review status: criteria provided, single submitter. Criteria: Invitae Variant Classification Sherloc (09022015). Collection method: clinical testing. Allele origin: germline.
Comment: For these reasons, this variant has been classified as Pathogenic. This variant disrupts a region of the RPGR (ORF15) protein in which other variant(s) (p.Glu698Argfs*72) have been determined to be pathogenic (PMID: 22264887; Invitae). This suggests that this is a clinically significant region of the protein, and that variants that disrupt it are likely to be disease-causing. This variant has not been reported in the literature in individuals affected with RPGR (ORF15)-related conditions. This variant is not present in population databases (gnomAD no frequency). This sequence change creates a premature translational stop signal (p.Gly653Valfs*44) in the RPGR (ORF15) gene. While this is not anticipated to result in nonsense mediated decay, it is expected to disrupt the last 500 amino acid(s) of the RPGR (ORF15) protein.

Literature cited by the submitters: PubMed 22264887.

NM_001034853.2(RPGR):c.1956del (p.Gly653fs)

Gene: RPGR (retinitis pigmentosa GTPase regulator; minus strand). Cytogenetic location: Xp11.4.
Variant type: Deletion.
Coding change: c.1956del on transcript NM_001034853.2 (MANE Select); coding-DNA position 1956, one base deleted (A; older notation c.1956delA).
Protein change: p.Gly653fs; shifts the reading frame from glycine 653.
Molecular consequence: frameshift variant. On other transcripts: intron variant (8).
Genome position (GRCh38, 1-based): chrX:38,287,043, T deleted on the plus strand (A on the coding strand, the reverse complement: RPGR is on the minus strand); the first of 2 consecutive T bases (chrX:38,287,043-38,287,044); deleting either gives the same sequence. VCF-style (leftmost placement, unchanged base first): chrX-38287042-CT-C. GRCh37 (hg19) VCF-style: chrX-38146295-CT-C.
Other names: c.1569+3916del (NM_001367249.1, NM_001367250.1); c.1902+51del (NM_001367245.1); c.1386+3916del (NM_001367251.1); c.1719+51del (NM_001367246.1); c.1572+3916del (NM_001367247.1); c.1905+51del (NM_000328.3); c.1602+3916del (NM_001367248.1); short protein forms G653fs.
Identifiers: ClinVar variation 2088505 (VCV002088505.4), dbSNP rs2519794592, ClinGen allele CA2580100950.